The following is an entry in ClinVar:

NM_001042432.2(CLN3):c.688T>A (p.Leu230Met)

Gene: CLN3 (CLN3 lysosomal/endosomal transmembrane protein, battenin; minus strand). Cytogenetic location: 16p12.1.
Variant type: single nucleotide variant.
Coding change: c.688T>A on transcript NM_001042432.2 (MANE Select); coding-DNA position 688, T replaced by A.
Protein change: p.Leu230Met; replaces leucine 230 with methionine.
Molecular consequence: missense variant.
Genome position (GRCh38, 1-based): chr16:28,484,108, A>T on the plus strand (T>A on the coding strand, the complement: CLN3 is on the minus strand). VCF-style: chr16-28484108-A-T. GRCh37 (hg19) VCF-style: chr16-28495429-A-T.
Other names: c.688T>A, p.Leu230Met (NM_000086.2); c.616T>A, p.Leu206Met (NM_001286104.2); c.388T>A, p.Leu130Met (NM_001286105.2); c.454T>A, p.Leu152Met (NM_001286109.2); c.526T>A, p.Leu176Met (NM_001286110.2); short protein forms L130M, L206M, L176M, L152M, L230M.
Identifiers: ClinVar variation 656284 (VCV000656284.8), dbSNP rs746075287, ClinGen allele CA395344949.

ClinVar aggregate classification (germline): Uncertain significance (1 of 4 stars; one submission).

Conditions:
Neuronal ceroid lipofuscinosis. Also called: Neuronal Ceroid Lipofuscinoses. Identifiers: Orphanet 216, Orphanet 79263, MedGen C0027877, MONDO:0016295. Disease mechanism: loss of function.

gnomAD v4.1: 1 of 1,609,830 alleles (0.000062%); no homozygotes.

Submission:

Labcorp Genetics (formerly Invitae), Labcorp
Classification: Uncertain significance for Neuronal ceroid lipofuscinosis. Last evaluated: 2021-08-24. Review status: criteria provided, single submitter. Criteria: Invitae Variant Classification Sherloc (09022015). Collection method: clinical testing. Allele origin: germline.
Comment: This sequence change replaces leucine with methionine at codon 230 of the CLN3 protein (p.Leu230Met). The leucine residue is highly conserved and there is a small physicochemical difference between leucine and methionine. This variant is not present in population databases (ExAC no frequency). This variant has not been reported in the literature in individuals affected with CLN3-related conditions. Algorithms developed to predict the effect of missense changes on protein structure and function are either unavailable or do not agree on the potential impact of this missense change (SIFT: "Tolerated"; PolyPhen-2: "Probably Damaging"; Align-GVGD: "Class C0"). In summary, the available evidence is currently insufficient to determine the role of this variant in disease. Therefore, it has been classified as a Variant of Uncertain Significance.